The following is an entry in ClinVar:

NM_004937.3(CTNS):c.682-1G>T

Genes: CTNS (cystinosin, lysosomal cystine transporter; plus strand), CTNS-AS1 (CTNS antisense RNA 1; minus strand). Cytogenetic location: 17p13.2.
Variant type: single nucleotide variant.
Coding change: c.682-1G>T on transcript NM_004937.3 (MANE Select); the canonical splice acceptor site of the intron before coding-DNA position 682, G replaced by T.
Molecular consequence: splice acceptor variant.
Genome position (GRCh38, 1-based): chr17:3,658,004, G>T. VCF-style: chr17-3658004-G-T. GRCh37 (hg19) VCF-style: chr17-3561298-G-T.
Other names: c.682-1G>T (NM_001031681.3, NM_001374492.1); c.241-1G>T (NM_001374493.1, NM_001374495.1, NM_001374494.1 and 1 more transcripts).
Identifiers: ClinVar variation 664004 (VCV000664004.13), dbSNP rs1057516771, ClinGen allele CA397692162.

ClinVar aggregate classification (germline): Pathogenic/Likely pathogenic. Review status: criteria provided, multiple submitters, no conflicts (2 of 4 stars). 5 submissions from 5 submitters: Pathogenic (3); Likely pathogenic (2). Last evaluated 2025-06-11.

Conditions:
Cystinosis. Also called: Cystine diathesis; Cystine storage disease; Cystinoses. Identifiers: Orphanet 213, MedGen C4316899, MONDO:0016239.
Ocular cystinosis. Also called: Non-Nephropathic Cystinosis; Non-Nephropathic (Ocular) Cystinosis. Identifiers: Orphanet 213, Orphanet 411641, MedGen C2931013, MONDO:0009064, OMIM 219750.
Juvenile nephropathic cystinosis. Also called: Intermediate Cystinosis; CYSTINOSIS, LATE-ONSET JUVENILE OR ADOLESCENT NEPHROPATHIC TYPE; Later-Onset (Juvenile) Cystinosis. Identifiers: Orphanet 213, Orphanet 411634, MedGen C0268626, MONDO:0009066, OMIM 219900.
Nephropathic cystinosis (CTNS). Also called: CYSTINOSIN, DEFECT OF; LYSOSOMAL CYSTINE TRANSPORT PROTEIN, DEFECT OF; Abderhalden Lignac Kaufmann disease; Abderhalden-Kaufmann-Lignac syndrome. Identifiers: Orphanet 213, Orphanet 411629, MedGen C2931187, MONDO:0100151, OMIM 219800.
Inborn genetic diseases. Identifiers: MedGen C0950123, MeSH D030342.

Allele frequency attached by ClinVar (database versions not stated): TOPMed 0.00001.

Submissions (5):

Natera, Inc.
Classification: Likely pathogenic for Cystinosis. Last evaluated: 2025-06-11. Review status: criteria provided, single submitter. Criteria: Natera Variant Classification Schema (03/2026). Collection method: clinical testing. Allele origin: germline.
Comment: The c.682-1G>T variant in CTNS is a canonical splice acceptor site variant predicted to affect pre-mRNA splicing, which may result in an abnormal transcript and altered protein product. This variant is expected to result in nonsense mediated decay, truncation, or a dysfunctional protein product. This variant is rare in the general population with a frequency below the threshold expected for the associated phenotype(s). This variant has been observed in one or more individuals affected with the associated recessive disease, as either homozygous or compound heterozygous with a second variant (PMID: 19863563, 27858370, 38630953). Given the available evidence, this variant is classified as Likely Pathogenic.

Labcorp Genetics (formerly Invitae), Labcorp
Classification: Pathogenic for Inborn genetic diseases; Ocular cystinosis; Juvenile nephropathic cystinosis. Last evaluated: 2024-02-17. Review status: criteria provided, single submitter. Criteria: Invitae Variant Classification Sherloc (09022015). Collection method: clinical testing. Allele origin: germline.
Comment: This sequence change affects an acceptor splice site in intron 9 of the CTNS gene. It is expected to disrupt RNA splicing. Variants that disrupt the donor or acceptor splice site typically lead to a loss of protein function (PMID: 16199547), and loss-of-function variants in CTNS are known to be pathogenic (PMID: 9537412, 27102039). This variant is not present in population databases (gnomAD no frequency). Disruption of this splice site has been observed in individuals with cystinosis (PMID: 19863563, 27858370). ClinVar contains an entry for this variant (Variation ID: 664004). Algorithms developed to predict the effect of sequence changes on RNA splicing suggest that this variant may disrupt the consensus splice site. For these reasons, this variant has been classified as Pathogenic.

GeneDx
Classification: Pathogenic. Last evaluated: 2023-11-08. Review status: criteria provided, single submitter. Criteria: GeneDx Variant Classification Process June 2021. Collection method: clinical testing. Allele origin: germline. Affected: yes.
Comment: Not observed at significant frequency in large population cohorts (gnomAD); Canonical splice site variant predicted to result in an in-frame loss of the adjacent exon in a gene for which loss of function is a known mechanism of disease; This variant is associated with the following publications: (PMID: 25525159, 19863563, 27858370)

Baylor Genetics
Classification: Pathogenic for Nephropathic cystinosis. Last evaluated: 2023-09-24. Review status: criteria provided, single submitter. Criteria: ACMG Guidelines, 2015. Collection method: clinical testing. Allele origin: unknown.

Fulgent Genetics
Classification: Likely pathogenic for Ocular cystinosis; Nephropathic cystinosis; Juvenile nephropathic cystinosis. Last evaluated: 2021-11-11. Review status: criteria provided, single submitter. Criteria: ACMG Guidelines, 2015. Collection method: clinical testing. Allele origin: unknown.

Literature cited by the submitters: PubMed 19863563 (cited by Natera, Inc. and Labcorp Genetics (formerly Invitae), Labcorp); PubMed 27858370 (cited by Natera, Inc. and Labcorp Genetics (formerly Invitae), Labcorp); PubMed 38630953 (cited by Natera, Inc.); PubMed 16199547 (cited by Labcorp Genetics (formerly Invitae), Labcorp); PubMed 9537412 (cited by Labcorp Genetics (formerly Invitae), Labcorp); PubMed 27102039 (cited by Labcorp Genetics (formerly Invitae), Labcorp).